The following is an entry in ClinVar:

ClinVar aggregate classification (germline): Pathogenic/Likely pathogenic. Review status: criteria provided, multiple submitters, no conflicts (2 of 4 stars). 3 submissions from 3 submitters: Pathogenic (1); Likely pathogenic (1). 1 of the submissions does not count toward it. Last evaluated 2024-10-01.

Conditions:
RDH12-related disorder. Also called: RDH12-related condition; RDH12-related disorders.
Retinitis pigmentosa (RP). Identifiers: Orphanet 791, MedGen C0035334, MeSH D012174, MONDO:0019200, OMIM 268000. Inheritance: Autosomal dominant, autosomal recessive and X linked inheritance.
Leber congenital amaurosis 13 (LCA13). Identifiers: MedGen C2675186, MONDO:0012990, OMIM 612712.

Allele frequency attached by ClinVar (database versions not stated): gnomAD exomes below 0.00001; gnomAD 0.00001.
gnomAD v4.1: 2 of 1,614,062 alleles (0.00012%); highest among the groups gnomAD compares: Non-Finnish European, 0.00017%; no homozygotes.

Submissions (3):

Lab De Baere, Eye and Developmental Genetics Lab, Ghent University
Classification: Likely pathogenic for Retinitis pigmentosa. Last evaluated: 2024-10-01. Review status: criteria provided, single submitter. Criteria: ACMG Guidelines, 2015. Collection method: research. Allele origin: inherited. Affected: yes. Observed: 1 variant allele.
Comment: ACMG/AMP guidelines: PM2_PP, PP5, PP3, PM5, PP1, PM3_2

Blueprint Genetics
Classification: Pathogenic for RDH12-related disorders. Last evaluated: 2019-03-07. Review status: criteria provided, single submitter. Criteria: ACMG Guidelines, 2015. Collection method: clinical testing. Allele origin: germline. Affected: yes. Observed: 3 variant alleles.

Laboratory of Genetics in Ophthalmology, Institut Imagine
Classification: Likely pathogenic for Leber congenital amaurosis 13. Review status: no assertion criteria provided. Collection method: research. Allele origin: inherited. Affected: yes. Observed: 1 variant allele. Not counted in ClinVar's aggregate classification.

Literature cited by the submitters: PubMed 17964524 (cited by Laboratory of Genetics in Ophthalmology, Institut Imagine).

NM_152443.3(RDH12):c.599A>G (p.Tyr200Cys)

Genes: RDH12 (retinol dehydrogenase 12; plus strand), GPHN (gephyrin; plus strand). Cytogenetic location: 14q24.1.
Variant type: single nucleotide variant.
Coding change: c.599A>G on transcript NM_152443.3 (MANE Select); coding-DNA position 599, A replaced by G.
Protein change: p.Tyr200Cys; replaces tyrosine 200 with cysteine.
Molecular consequence: missense variant.
Genome position (GRCh38, 1-based): chr14:67,727,131, A>G. VCF-style: chr14-67727131-A-G. GRCh37 (hg19) VCF-style: chr14-68193848-A-G.
Other names: short protein forms Y200C.
Identifiers: ClinVar variation 867114 (VCV000867114.4), dbSNP rs1163040913, ClinGen allele CA390151429.